The following is an entry in ClinVar:

NM_000530.8(MPZ):c.683G>A (p.Ser228Asn)

Gene: MPZ (myelin protein zero; minus strand). Cytogenetic location: 1q23.3.
Variant type: single nucleotide variant.
Coding change: c.683G>A on transcript NM_000530.8 (MANE Select); coding-DNA position 683, G replaced by A.
Protein change: p.Ser228Asn; replaces serine 228 with asparagine.
Molecular consequence: missense variant.
Genome position (GRCh38, 1-based): chr1:161,305,940, C>T on the plus strand (G>A on the coding strand, the complement: MPZ is on the minus strand). VCF-style: chr1-161305940-C-T. GRCh37 (hg19) VCF-style: chr1-161275730-C-T.
Other names: c.683G>A, p.Ser228Asn (NM_001315491.2); short protein forms S228N.
Identifiers: ClinVar variation 1476502 (VCV001476502.6), dbSNP rs773002116, ClinGen allele CA1210068.
Genomic context (GRCh38, chr1:161,305,940, plus strand): 5'-TTCTTATCCTTGCGAGACTCCCCCAGCCCCTTGGCCTTCTTCTCACTGACAGCTTTGGTG[C>T]TTCTGCTGTGGTCCAGCATTGCATACAGCACTGGCGTCTGGGGGAGGGGCGCACACATCA-3'
Protein context (NP_000521.2, residues 218-238): VLYAMLDHSR[Ser228Asn]TKAVSEKKAK

ClinVar aggregate classification (germline): Uncertain significance (1 of 4 stars; one submission).

Conditions:
Charcot-Marie-Tooth disease, type I (CMT1). Also called: Charcot-Marie-Tooth disease type 1; Charcot-Marie-Tooth, Type 1. Identifiers: Orphanet 65753, MedGen C0751036, MONDO:0019011.

Allele frequency attached by ClinVar (database versions not stated): gnomAD exomes below 0.00001 and 0.00001; ExAC 0.00001.
gnomAD v4.1: 2 of 1,614,028 alleles (0.00012%); highest among the groups gnomAD compares: South Asian, 0.0022%; no homozygotes.

Submission:

Labcorp Genetics (formerly Invitae), Labcorp
Classification: Uncertain significance for Charcot-Marie-Tooth disease, type I. Last evaluated: 2021-09-20. Review status: criteria provided, single submitter. Criteria: Invitae Variant Classification Sherloc (09022015). Collection method: clinical testing. Allele origin: germline.
Comment: This sequence change replaces serine with asparagine at codon 228 of the MPZ protein (p.Ser228Asn). The serine residue is moderately conserved and there is a small physicochemical difference between serine and asparagine. This variant is present in population databases (rs773002116, ExAC 0.006%). This variant has not been reported in the literature in individuals affected with MPZ-related conditions. Algorithms developed to predict the effect of missense changes on protein structure and function are either unavailable or do not agree on the potential impact of this missense change (SIFT: "Tolerated"; PolyPhen-2: "Possibly Damaging"; Align-GVGD: "Class C0"). In summary, the available evidence is currently insufficient to determine the role of this variant in disease. Therefore, it has been classified as a Variant of Uncertain Significance.